The following is an entry in ClinVar:

NM_020336.4(RALGAPB):c.1832G>A (p.Arg611Gln)

Gene: RALGAPB (Ral GTPase activating protein non-catalytic subunit beta; plus strand). Cytogenetic location: 20q11.23.
Variant type: single nucleotide variant.
Coding change: c.1832G>A on transcript NM_020336.4 (MANE Select); coding-DNA position 1832, G replaced by A.
Protein change: p.Arg611Gln; replaces arginine 611 with glutamine.
Molecular consequence: missense variant.
Genome position (GRCh38, 1-based): chr20:38,525,448, G>A. VCF-style: chr20-38525448-G-A. GRCh37 (hg19) VCF-style: chr20-37154091-G-A.
Other names: c.1832G>A, p.Arg611Gln (NM_001282917.2, NM_001282918.2); short protein forms R611Q.
Identifiers: ClinVar variation 2652319 (VCV002652319.24), dbSNP rs2086430953, ClinGen allele CA408884734.

ClinVar aggregate classification (germline): Uncertain significance (1 of 4 stars; one submission).

Allele frequency attached by ClinVar (database versions not stated): gnomAD exomes below 0.00001; TOPMed below 0.00001.
gnomAD v4.1: 1 of 1,603,000 alleles (0.000062%); highest among the groups gnomAD compares: Non-Finnish European, 0.000085%; no homozygotes.

Submission:

CeGaT Center for Human Genetics Tuebingen
Classification: Uncertain significance. Last evaluated: 2023-07-01. Review status: criteria provided, single submitter. Criteria: CeGaT Center For Human Genetics Tuebingen Variant Classification Criteria Version 2. Collection method: clinical testing. Allele origin: germline. Affected: yes. Observed: 1 variant allele.
Comment: RALGAPB: PM2, PP2